The following is an entry in ClinVar:

ClinVar aggregate classification (germline): Uncertain significance (1 of 4 stars; one submission).

Conditions:
Tuberous sclerosis 1 (TSC1). Identifiers: Orphanet 805, MedGen C1854465, MONDO:0008612, OMIM 191100.

Submission:

Labcorp Genetics (formerly Invitae), Labcorp
Classification: Uncertain significance for Tuberous sclerosis 1. Last evaluated: 2024-06-26. Review status: criteria provided, single submitter. Criteria: Invitae Variant Classification Sherloc (09022015). Collection method: clinical testing. Allele origin: germline.
Comment: This sequence change replaces serine, which is neutral and polar, with arginine, which is basic and polar, at codon 1073 of the TSC1 protein (p.Ser1073Arg). This variant is not present in population databases (gnomAD no frequency). This variant has not been reported in the literature in individuals affected with TSC1-related conditions. Advanced modeling of protein sequence and biophysical properties (such as structural, functional, and spatial information, amino acid conservation, physicochemical variation, residue mobility, and thermodynamic stability) performed at Invitae indicates that this missense variant is not expected to disrupt TSC1 protein function with a negative predictive value of 95%. In summary, the available evidence is currently insufficient to determine the role of this variant in disease. Therefore, it has been classified as a Variant of Uncertain Significance.

NM_000368.5(TSC1):c.3219C>G (p.Ser1073Arg)

Gene: TSC1 (TSC complex subunit 1; minus strand). Cytogenetic location: 9q34.13.
Variant type: single nucleotide variant.
Coding change: c.3219C>G on transcript NM_000368.5 (MANE Select); coding-DNA position 3219, C replaced by G.
Protein change: p.Ser1073Arg; replaces serine 1073 with arginine.
Molecular consequence: missense variant. On other transcripts: non-coding transcript variant (5).
Genome position (GRCh38, 1-based): chr9:132,896,511, G>C on the plus strand (C>G on the coding strand, the complement: TSC1 is on the minus strand). VCF-style: chr9-132896511-G-C. GRCh37 (hg19) VCF-style: chr9-135771898-G-C.
Other names: c.3216C>G, p.Ser1072Arg (NM_001406600.1, NM_001162426.2, NM_001406597.1 and 2 more transcripts); c.3204C>G, p.Ser1068Arg (NM_001406601.1, NM_001406602.1); c.3201C>G, p.Ser1067Arg (NM_001406603.1, NM_001406604.1); c.3177C>G, p.Ser1059Arg (NM_001406605.1, NM_001406606.1, NM_001406607.1); c.3174C>G, p.Ser1058Arg (NM_001406608.1, NM_001406609.1); c.3066C>G, p.Ser1022Arg (NM_001406610.1, NM_001162427.2); c.2853C>G, p.Ser951Arg (NM_001406621.1, NM_001406622.1, NM_001406623.1 and 1 more transcripts); c.3063C>G, p.Ser1021Arg (NM_001406611.1, NM_001406612.1); and 8 more; short protein forms S1068R, S1073R, S755R, S756R, S952R, S1022R, S951R, S1058R.
Identifiers: ClinVar variation 3644677 (VCV003644677.2).
Genomic context (GRCh38, chr9:132,896,511, plus strand): 5'-TCGAGCCTTCATACCCAGGAAGCTTTTTGAACTGGGAAGTGAGCCCACAGTGGTGGGGAT[G>C]CTGGCAGACGCTTCTCCCATAGTCGTCTCCCACCGACTGCTGAATGGGCCTGCCCTCTGG-3'
Protein context (NP_000359.1, residues 1063-1083): WETTMGEASA[Ser1073Arg]IPTTVGSLPS